The following is an entry in ClinVar:

NM_001626.6(AKT2):c.699C>T (p.Asn233=)

Gene: AKT2 (AKT serine/threonine kinase 2; minus strand). Cytogenetic location: 19q13.2.
Variant type: single nucleotide variant.
Coding change: c.699C>T on transcript NM_001626.6 (MANE Select); coding-DNA position 699, C replaced by T.
Protein change: p.Asn233=; no amino-acid change (asparagine 233 retained).
Molecular consequence: synonymous variant.
Genome position (GRCh38, 1-based): chr19:40,238,914, G>A on the plus strand (C>T on the coding strand, the complement: AKT2 is on the minus strand). VCF-style: chr19-40238914-G-A. GRCh37 (hg19) VCF-style: chr19-40744821-G-A.
Other names: c.513C>T, p.Asn171= (NM_001243027.3, NM_001243028.3); c.699C>T, p.Asn233= (NM_001330511.1).
Identifiers: ClinVar variation 772158 (VCV000772158.8), dbSNP rs765477884, ClinGen allele CA9441724.

ClinVar aggregate classification (germline): Likely benign. Review status: criteria provided, single submitter (1 of 4 stars). 2 submissions from 2 submitters: Likely benign (1). 1 of the submissions does not count toward it. Last evaluated 2024-12-10.

Conditions:
AKT2-related disorder. Also called: AKT2-related condition.
Hypoinsulinemic hypoglycemia and body hemihypertrophy. Also called: Hypoinsulinemic hypoglycemia and hemihypertrophy. Identifiers: Orphanet 293964, MedGen C3278384, MONDO:0009416, OMIM 240900.
Type 2 diabetes mellitus. Also called: Type II diabetes mellitus. Identifiers: MedGen C0011860, MeSH D003924, MONDO:0005148, OMIM 125853, HP:0005978.

Allele frequency attached by ClinVar (database versions not stated): gnomAD 0.00003; TOPMed 0.00003; ExAC 0.00006; gnomAD exomes 0.00006.
gnomAD v4.1: 110 of 1,613,888 alleles (0.0068%); highest among the groups gnomAD compares: Non-Finnish European, 0.0083%; no homozygotes.

Submissions (2):

Labcorp Genetics (formerly Invitae), Labcorp
Classification: Likely benign for Hypoinsulinemic hypoglycemia and body hemihypertrophy; Type 2 diabetes mellitus. Last evaluated: 2024-12-10. Review status: criteria provided, single submitter. Criteria: Invitae Variant Classification Sherloc (09022015). Collection method: clinical testing. Allele origin: germline.

PreventionGenetics, part of Exact Sciences
Classification: Likely benign for AKT2-related condition. Last evaluated: 2019-09-26. Review status: no assertion criteria provided. Collection method: clinical testing. Allele origin: germline. Not counted in ClinVar's aggregate classification.
Comment: This variant is classified as likely benign based on ACMG/AMP sequence variant interpretation guidelines (Richards et al. 2015 PMID: 25741868, with internal and published modifications).